The following is an entry in ClinVar:

NM_002878.4(RAD51D):c.342T>C (p.Thr114=)

Genes: RAD51D (RAD51 paralog D; minus strand), RAD51L3-RFFL (RAD51L3-RFFL readthrough; minus strand). Cytogenetic location: 17q12.
Variant type: single nucleotide variant.
Coding change: c.342T>C on transcript NM_002878.4 (MANE Select); coding-DNA position 342, T replaced by C.
Protein change: p.Thr114=; no amino-acid change (threonine 114 retained).
Molecular consequence: synonymous variant. On other transcripts: non-coding transcript variant (2), intron variant (1).
Genome position (GRCh38, 1-based): chr17:35,107,369, A>G on the plus strand (T>C on the coding strand, the complement: RAD51D is on the minus strand). VCF-style: chr17-35107369-A-G. GRCh37 (hg19) VCF-style: chr17-33434388-A-G.
Other names: c.402T>C, p.Thr134= (NM_001142571.2); c.145-888T>C (NM_133629.3).
Identifiers: ClinVar variation 2779136 (VCV002779136.5), dbSNP rs2142436422, ClinGen allele CA499731864.

ClinVar aggregate classification (germline): Likely benign. Review status: criteria provided, single submitter (1 of 4 stars). 2 submissions from 2 submitters: Likely benign (1). 1 of the submissions does not count toward it. Last evaluated 2023-05-25.

Conditions:
Breast-ovarian cancer, familial, susceptibility to, 4. Identifiers: Orphanet 145, MedGen C3280345, MONDO:0013669, OMIM 614291.
RAD51D-related disorder. Also called: RAD51D-related condition.

Submissions (2):

Labcorp Genetics (formerly Invitae), Labcorp
Classification: Likely benign for Breast-ovarian cancer, familial, susceptibility to, 4. Last evaluated: 2023-05-25. Review status: criteria provided, single submitter. Criteria: Invitae Variant Classification Sherloc (09022015). Collection method: clinical testing. Allele origin: germline.

PreventionGenetics, part of Exact Sciences
Classification: Likely benign for RAD51D-related condition. Last evaluated: 2019-08-02. Review status: no assertion criteria provided. Collection method: clinical testing. Allele origin: germline. Not counted in ClinVar's aggregate classification.
Comment: This variant is classified as likely benign based on ACMG/AMP sequence variant interpretation guidelines (Richards et al. 2015 PMID: 25741868, with internal and published modifications).